The following is an entry in ClinVar:

ClinVar aggregate classification (germline): Pathogenic (1 of 4 stars; one submission).

Submission:

Labcorp Genetics (formerly Invitae), Labcorp
Classification: Pathogenic. Last evaluated: 2021-02-13. Review status: criteria provided, single submitter. Criteria: Invitae Variant Classification Sherloc (09022015). Collection method: clinical testing. Allele origin: germline.
Comment: This sequence change creates a premature translational stop signal (p.Ile328Leufs*4) in the FAM161A gene. It is expected to result in an absent or disrupted protein product. Loss-of-function variants in FAM161A are known to be pathogenic (PMID: 20705278, 20705279, 24651477). This variant is not present in population databases (ExAC no frequency). This variant has not been reported in the literature in individuals with FAM161A-related conditions. ClinVar contains an entry for this variant (Variation ID: 963099). For these reasons, this variant has been classified as Pathogenic.

Literature cited by the submitters: PubMed 20705278; PubMed 20705279; PubMed 24651477.

NM_001201543.2(FAM161A):c.974_981dup (p.Ile328fs)

Gene: FAM161A (FAM161 centrosomal protein A; minus strand). Cytogenetic location: 2p15.
Variant type: Duplication.
Coding change: c.974_981dup on transcript NM_001201543.2 (MANE Select); coding-DNA positions 974 to 981, 8 bases duplicated (TTAAATTT; older notation c.974_981dupTTAAATTT).
Protein change: p.Ile328fs; shifts the reading frame from isoleucine 328.
Molecular consequence: frameshift variant. On other transcripts: non-coding transcript variant (1).
Genome position (GRCh38, 1-based): chr2:61,840,023-61,840,030, AAATTTAA duplicated on the plus strand (TTAAATTT on the coding strand, the reverse complement: FAM161A is on the minus strand); duplicating any 8 consecutive bases within chr2:61,840,023-61,840,031 gives the same sequence; the c. name uses the placement nearest the transcript's 3' end. VCF-style (leftmost placement, unchanged base first): chr2-61840022-T-TAAATTTAA. GRCh37 (hg19) VCF-style: chr2-62067157-T-TAAATTTAA.
Other names: c.974_981dup, p.Ile328fs (NM_032180.3); short protein forms I328fs.
Identifiers: ClinVar variation 963099 (VCV000963099.7), dbSNP rs1672948970, ClinGen allele CA1139657060.